The following is an entry in ClinVar:

NM_000165.5(GJA1):c.956G>A (p.Arg319Gln)

Gene: GJA1 (gap junction protein alpha 1; plus strand). Cytogenetic location: 6q22.31.
Variant type: single nucleotide variant.
Coding change: c.956G>A on transcript NM_000165.5 (MANE Select); coding-DNA position 956, G replaced by A.
Protein change: p.Arg319Gln; replaces arginine 319 with glutamine.
Molecular consequence: missense variant.
Genome position (GRCh38, 1-based): chr6:121,447,803, G>A. VCF-style: chr6-121447803-G-A. GRCh37 (hg19) VCF-style: chr6-121768949-G-A.
Other names: short protein forms R319Q.
Identifiers: ClinVar variation 2082430 (VCV002082430.4), dbSNP rs759494167, ClinGen allele CA3981791.

ClinVar aggregate classification (germline): Uncertain significance (1 of 4 stars; one submission).

Conditions:
Oculodentodigital dysplasia, autosomal recessive. Also called: OCULODENTOOSSEOUS DYSPLASIA, AUTOSOMAL RECESSIVE; ODDD, AUTOSOMAL RECESSIVE; ODOD, AUTOSOMAL RECESSIVE. Identifiers: Orphanet 2710, MedGen C2749477, MONDO:0009768, OMIM 257850.

Allele frequency attached by ClinVar (database versions not stated): TOPMed below 0.00001; ExAC 0.00001; gnomAD exomes 0.00001.
gnomAD v4.1: 7 of 1,613,854 alleles (0.00043%); highest among the groups gnomAD compares: African/African-American, 0.0027%; no homozygotes.

Submission:

Labcorp Genetics (formerly Invitae), Labcorp
Classification: Uncertain significance for Oculodentodigital dysplasia, autosomal recessive. Last evaluated: 2025-05-30. Review status: criteria provided, single submitter. Criteria: Invitae Variant Classification Sherloc (09022015). Collection method: clinical testing. Allele origin: germline.
Comment: This sequence change replaces arginine, which is basic and polar, with glutamine, which is neutral and polar, at codon 319 of the GJA1 protein (p.Arg319Gln). This variant is present in population databases (rs759494167, gnomAD 0.003%). This variant has not been reported in the literature in individuals affected with GJA1-related conditions. ClinVar contains an entry for this variant (Variation ID: 2082430). Invitae Evidence Modeling of protein sequence and biophysical properties (such as structural, functional, and spatial information, amino acid conservation, physicochemical variation, residue mobility, and thermodynamic stability) indicates that this missense variant is not expected to disrupt GJA1 protein function with a negative predictive value of 95%. In summary, the available evidence is currently insufficient to determine the role of this variant in disease. Therefore, it has been classified as a Variant of Uncertain Significance.